The following is an entry in ClinVar:

NM_007194.4(CHEK2):c.995T>C (p.Leu332Pro)

Gene: CHEK2 (checkpoint kinase 2; minus strand). Cytogenetic location: 22q12.1.
Variant type: single nucleotide variant.
Coding change: c.995T>C on transcript NM_007194.4 (MANE Select); coding-DNA position 995, T replaced by C.
Protein change: p.Leu332Pro; replaces leucine 332 with proline.
Molecular consequence: missense variant.
Genome position (GRCh38, 1-based): chr22:28,699,851, A>G on the plus strand (T>C on the coding strand, the complement: CHEK2 is on the minus strand). VCF-style: chr22-28699851-A-G. GRCh37 (hg19) VCF-style: chr22-29095839-A-G.
Other names: c.1124T>C, p.Leu375Pro (NM_001005735.3); c.332T>C, p.Leu111Pro (NM_001257387.3); c.794T>C, p.Leu265Pro (NM_001349956.3); c.995T>C, p.Leu332Pro (NM_145862.3); short protein forms L332P, L111P, L375P, L265P.
Identifiers: ClinVar variation 479585 (VCV000479585.10), dbSNP rs1555915337, ClinGen allele CA411099418.

ClinVar aggregate classification (germline): Uncertain significance. Review status: criteria provided, multiple submitters, no conflicts (2 of 4 stars). 2 submissions from 2 submitters: Uncertain significance (2). Last evaluated 2022-05-21.

Conditions:
Hereditary cancer-predisposing syndrome. Also called: Hereditary Cancer Syndrome; Neoplastic Syndromes, Hereditary; Tumor predisposition; Hereditary neoplastic syndrome. Identifiers: Orphanet 140162, MedGen C0027672, MeSH D009386, MONDO:0015356.
Familial cancer of breast. Also called: BREAST CANCER, FAMILIAL; Hereditary breast cancer; hereditary breast carcinoma. Identifiers: Orphanet 227535, MedGen C0346153, MONDO:0016419, OMIM 114480. Disease mechanism: loss of function.

Submissions (2):

Labcorp Genetics (formerly Invitae), Labcorp
Classification: Uncertain significance for Familial cancer of breast. Last evaluated: 2022-05-21. Review status: criteria provided, single submitter. Criteria: Invitae Variant Classification Sherloc (09022015). Collection method: clinical testing. Allele origin: germline.
Comment: In summary, the available evidence is currently insufficient to determine the role of this variant in disease. Therefore, it has been classified as a Variant of Uncertain Significance. This sequence change replaces leucine, which is neutral and non-polar, with proline, which is neutral and non-polar, at codon 332 of the CHEK2 protein (p.Leu332Pro). This variant is not present in population databases (gnomAD no frequency). This variant has not been reported in the literature in individuals affected with CHEK2-related conditions. ClinVar contains an entry for this variant (Variation ID: 479585). Algorithms developed to predict the effect of missense changes on protein structure and function are either unavailable or do not agree on the potential impact of this missense change (SIFT: "Deleterious"; PolyPhen-2: "Probably Damaging"; Align-GVGD: "Class C0").

Ambry Genetics
Classification: Uncertain significance for Hereditary cancer-predisposing syndrome. Last evaluated: 2016-12-09. Review status: criteria provided, single submitter. Criteria: Ambry Variant Classification Scheme 2023. Collection method: clinical testing. Allele origin: germline.
Comment: The p.L332P variant (also known as c.995T>C), located in coding exon 8 of the CHEK2 gene, results from a T to C substitution at nucleotide position 995. The leucine at codon 332 is replaced by proline, an amino acid with similar properties. This amino acid position is highly conserved in available vertebrate species. In addition, this alteration is predicted to be deleterious by in silico analysis. Since supporting evidence is limited at this time, the clinical significance of this alteration remains unclear.